The following is an entry in ClinVar:

NM_198904.4(GABRG2):c.455T>C (p.Phe152Ser)

Gene: GABRG2 (gamma-aminobutyric acid type A receptor subunit gamma2; plus strand). Cytogenetic location: 5q34.
Variant type: single nucleotide variant.
Coding change: c.455T>C on transcript NM_198904.4 (MANE Select); coding-DNA position 455, T replaced by C.
Protein change: p.Phe152Ser; replaces phenylalanine 152 with serine.
Molecular consequence: missense variant.
Genome position (GRCh38, 1-based): chr5:162,097,765, T>C. VCF-style: chr5-162097765-T-C. GRCh37 (hg19) VCF-style: chr5-161524771-T-C.
Other names: c.455T>C, p.Phe152Ser (NM_000816.3, NM_001375340.1, NM_001375341.1 and 4 more transcripts); c.446T>C, p.Phe149Ser (NM_001375339.1); c.389T>C, p.Phe130Ser (NM_001375345.1, NM_001375346.1); c.368T>C, p.Phe123Ser (NM_001375347.1); c.35T>C, p.Phe12Ser (NM_001375348.1, NM_001375350.1); c.170T>C, p.Phe57Ser (NM_001375349.1); short protein forms F152S, F123S, F12S, F130S, F149S, F57S.
Identifiers: ClinVar variation 659339 (VCV000659339.9), dbSNP rs1581350948, ClinGen allele CA362184230.

ClinVar aggregate classification (germline): Uncertain significance (1 of 4 stars; one submission).

Conditions:
Febrile seizures, familial, 8 (FEB8). Also called: CONVULSIONS, FAMILIAL FEBRILE, 8. Identifiers: Orphanet 36387, MedGen C1969810, MONDO:0011891, OMIM 607681.
EPILEPSY, CHILDHOOD ABSENCE, SUSCEPTIBILITY TO, 2 (ECA2). Identifiers: Orphanet 64280, MedGen C1843244, OMIM 607681.

Allele frequency attached by ClinVar (database versions not stated): gnomAD exomes below 0.00001.
gnomAD v4.1: 1 of 1,613,850 alleles (0.000062%); highest among the groups gnomAD compares: Non-Finnish European, 0.000085%; no homozygotes.

Submission:

Labcorp Genetics (formerly Invitae), Labcorp
Classification: Uncertain significance for Febrile seizures, familial, 8; EPILEPSY, CHILDHOOD ABSENCE, SUSCEPTIBILITY TO, 2. Last evaluated: 2024-10-25. Review status: criteria provided, single submitter. Criteria: Invitae Variant Classification Sherloc (09022015). Collection method: clinical testing. Allele origin: germline.
Comment: This sequence change replaces phenylalanine, which is neutral and non-polar, with serine, which is neutral and polar, at codon 152 of the GABRG2 protein (p.Phe152Ser). This variant is not present in population databases (gnomAD no frequency). This variant has not been reported in the literature in individuals affected with GABRG2-related conditions. ClinVar contains an entry for this variant (Variation ID: 659339). Invitae Evidence Modeling of protein sequence and biophysical properties (such as structural, functional, and spatial information, amino acid conservation, physicochemical variation, residue mobility, and thermodynamic stability) indicates that this missense variant is expected to disrupt GABRG2 protein function with a positive predictive value of 95%. In summary, the available evidence is currently insufficient to determine the role of this variant in disease. Therefore, it has been classified as a Variant of Uncertain Significance.